The following is an entry in ClinVar:

ClinVar aggregate classification (germline): Uncertain significance. Review status: criteria provided, multiple submitters, no conflicts (2 of 4 stars). 2 submissions from 2 submitters: Uncertain significance (2). Last evaluated 2025-11-15.

Conditions:
Inborn genetic diseases. Identifiers: MedGen C0950123, MeSH D030342.
Glycogen storage disease due to muscle beta-enolase deficiency (GSD13). Also called: Glycogen Storage Disease Type XIII; ENOLASE 3 DEFICIENCY; ENOLASE-BETA DEFICIENCY; GSD XIII. Identifiers: Orphanet 99849, MedGen C2752027, MONDO:0013046, OMIM 612932.

Allele frequency attached by ClinVar (database versions not stated): gnomAD exomes 0.00005 and 0.00006; ExAC 0.00006; ESP Exome Variant Server 0.00008; gnomAD 0.00009 and 0.00013; TOPMed 0.00021; 1000 Genomes Project 0.00040; 1000 Genomes Project 30x 0.00062.
gnomAD v4.1: 105 of 1,613,852 alleles (0.0065%); highest among the groups gnomAD compares: Middle Eastern, 0.083%; 1 homozygote.

Submissions (2):

Labcorp Genetics (formerly Invitae), Labcorp
Classification: Uncertain significance for Glycogen storage disease due to muscle beta-enolase deficiency. Last evaluated: 2025-11-15. Review status: criteria provided, single submitter. Criteria: Invitae Variant Classification Sherloc (09022015). Collection method: clinical testing. Allele origin: germline.
Comment: This sequence change replaces asparagine, which is neutral and polar, with histidine, which is basic and polar, at codon 312 of the ENO3 protein (p.Asn312His). This variant is present in population databases (rs145968147, gnomAD 0.03%). This variant has not been reported in the literature in individuals affected with ENO3-related conditions. ClinVar contains an entry for this variant (Variation ID: 1521216). Invitae Evidence Modeling of protein sequence and biophysical properties (such as structural, functional, and spatial information, amino acid conservation, physicochemical variation, residue mobility, and thermodynamic stability) indicates that this missense variant is not expected to disrupt ENO3 protein function with a negative predictive value of 80%. In summary, the available evidence is currently insufficient to determine the role of this variant in disease. Therefore, it has been classified as a Variant of Uncertain Significance.

Ambry Genetics
Classification: Uncertain significance for Inborn genetic diseases. Last evaluated: 2025-02-07. Review status: criteria provided, single submitter. Criteria: Ambry Variant Classification Scheme 2023. Collection method: clinical testing. Allele origin: germline.

NM_053013.4(ENO3):c.934A>C (p.Asn312His)

Gene: ENO3 (enolase 3; plus strand). Cytogenetic location: 17p13.2.
Variant type: single nucleotide variant.
Coding change: c.934A>C on transcript NM_053013.4 (MANE Select); coding-DNA position 934, A replaced by C.
Protein change: p.Asn312His; replaces asparagine 312 with histidine.
Molecular consequence: missense variant.
Genome position (GRCh38, 1-based): chr17:4,956,010, A>C. VCF-style: chr17-4956010-A-C. GRCh37 (hg19) VCF-style: chr17-4859305-A-C.
Other names: c.805A>C, p.Asn269His (NM_001193503.2); c.934A>C, p.Asn312His (NM_001374523.1, NM_001976.5); c.961A>C, p.Asn321His (NM_001374524.1); c.934A>C (NM_053013.3); short protein forms N312H, N321H, N269H.
Identifiers: ClinVar variation 1521216 (VCV001521216.6), dbSNP rs145968147, ClinGen allele CA8316499.